The following is an entry in ClinVar:

ClinVar aggregate classification (germline): Uncertain significance. Review status: criteria provided, multiple submitters, no conflicts (2 of 4 stars). 2 submissions from 2 submitters: Uncertain significance (2). Last evaluated 2024-11-21.

Conditions:
Familial hemophagocytic lymphohistiocytosis 3 (FHL3). Also called: UNC13D-Related Familial Hemophagocytic Lymphohistiocytosis (UNC13D-fHLH). Identifiers: Orphanet 540, MedGen C1837174, MONDO:0012146, OMIM 608898.

Allele frequency attached by ClinVar (database versions not stated): ExAC 0.00002; gnomAD exomes 0.00002; TOPMed 0.00002; 1000 Genomes Project 30x 0.00016; 1000 Genomes Project 0.00020.
gnomAD v4.1: 30 of 1,614,058 alleles (0.0019%); highest among the groups gnomAD compares: Middle Eastern, 0.016%; no homozygotes.

Submissions (2):

Blueprint Genetics
Classification: Uncertain significance. Last evaluated: 2024-11-21. Review status: criteria provided, single submitter. Criteria: ACMG Guidelines, 2015. Collection method: clinical testing. Allele origin: germline.

Labcorp Genetics (formerly Invitae), Labcorp
Classification: Uncertain significance for Familial hemophagocytic lymphohistiocytosis 3. Last evaluated: 2022-08-19. Review status: criteria provided, single submitter. Criteria: Invitae Variant Classification Sherloc (09022015). Collection method: clinical testing. Allele origin: germline.
Comment: This sequence change replaces arginine, which is basic and polar, with glutamine, which is neutral and polar, at codon 234 of the UNC13D protein (p.Arg234Gln). This variant is present in population databases (rs560990369, gnomAD 0.01%). This variant has not been reported in the literature in individuals affected with UNC13D-related conditions. ClinVar contains an entry for this variant (Variation ID: 1482409). Algorithms developed to predict the effect of missense changes on protein structure and function are either unavailable or do not agree on the potential impact of this missense change (SIFT: "Not Available"; PolyPhen-2: "Probably Damaging"; Align-GVGD: "Not Available"). In summary, the available evidence is currently insufficient to determine the role of this variant in disease. Therefore, it has been classified as a Variant of Uncertain Significance.

NM_199242.3(UNC13D):c.701G>A (p.Arg234Gln)

Gene: UNC13D (unc-13 homolog D; minus strand). Cytogenetic location: 17q25.1.
Variant type: single nucleotide variant.
Coding change: c.701G>A on transcript NM_199242.3 (MANE Select); coding-DNA position 701, G replaced by A.
Protein change: p.Arg234Gln; replaces arginine 234 with glutamine.
Molecular consequence: missense variant.
Genome position (GRCh38, 1-based): chr17:75,840,559, C>T on the plus strand (G>A on the coding strand, the complement: UNC13D is on the minus strand). VCF-style: chr17-75840559-C-T. GRCh37 (hg19) VCF-style: chr17-73836640-C-T.
Other names: short protein forms R234Q.
Identifiers: ClinVar variation 1482409 (VCV001482409.4), dbSNP rs560990369, ClinGen allele CA8773319.